The following is an entry in ClinVar:

NM_000051.4(ATM):c.5401A>G (p.Asn1801Asp)

Gene: ATM (ATM serine/threonine kinase; plus strand). Cytogenetic location: 11q22.3.
Variant type: single nucleotide variant.
Coding change: c.5401A>G on transcript NM_000051.4 (MANE Select); coding-DNA position 5401, A replaced by G.
Protein change: p.Asn1801Asp; replaces asparagine 1801 with aspartic acid.
Molecular consequence: missense variant.
Genome position (GRCh38, 1-based): chr11:108,302,934, A>G. VCF-style: chr11-108302934-A-G. GRCh37 (hg19) VCF-style: chr11-108173661-A-G.
Other names: c.5401A>G, p.Asn1801Asp (NM_001351834.2); short protein forms N1801D.
Identifiers: ClinVar variation 923098 (VCV000923098.4), dbSNP rs2083502328, ClinGen allele CA382543741.

ClinVar aggregate classification (germline): Uncertain significance (1 of 4 stars; one submission).

Conditions:
Hereditary cancer-predisposing syndrome. Also called: Neoplastic Syndromes, Hereditary; Tumor predisposition; Hereditary Cancer Syndrome; Hereditary neoplastic syndrome. Identifiers: Orphanet 140162, MedGen C0027672, MeSH D009386, MONDO:0015356.

Submission:

Color Diagnostics, LLC DBA Color Health
Classification: Uncertain significance for Hereditary cancer-predisposing syndrome. Last evaluated: 2023-12-05. Review status: criteria provided, single submitter. Criteria: ACMG Guidelines, 2015. Collection method: clinical testing. Allele origin: germline.
Comment: This missense variant replaces asparagine with aspartic acid at codon 1801 of the ATM protein. Computational prediction suggests that this variant may not impact protein structure and function (internally defined REVEL score threshold <= 0.5, PMID: 27666373). To our knowledge, functional studies have not been reported for this variant. This variant has not been reported in individuals affected with ATM-related disorders in the literature. This variant has not been identified in the general population by the Genome Aggregation Database (gnomAD). The available evidence is insufficient to determine the role of this variant in disease conclusively. Therefore, this variant is classified as a Variant of Uncertain Significance.